The following is an entry in ClinVar:

ClinVar aggregate classification (germline): Uncertain significance (1 of 4 stars; one submission).

Conditions:
Fanconi anemia (FA). Also called: Fanconi's anemia. Identifiers: Orphanet 84, MedGen C0015625, MeSH D005199, MONDO:0019391.

Submission:

Sema4
Classification: Uncertain significance for Fanconi anemia. Last evaluated: 2021-12-27. Review status: criteria provided, single submitter. Criteria: Sema4 Curation Guidelines. Collection method: curation. Allele origin: germline.
Comment: The FANCG c.706G>A (p.A236T) variant has not been reported in the literature to our knowledge. It was not observed in the large and broad cohorts of the Genome Aggregation Database (PMID: 32461654). It has not been reported in ClinVar. Functional studies have not been performed, and in silico predictions of the variant's effect on protein function are inconclusive. The evidence is insufficient to meet ACMG/AMP criteria for classifying the variant as benign or pathogenic. Thus, the clinical significance of this variant is currently uncertain.

NM_004629.2(FANCG):c.706G>A (p.Ala236Thr)

Gene: FANCG (FA complementation group G; minus strand). Cytogenetic location: 9p13.3.
Variant type: single nucleotide variant.
Coding change: c.706G>A on transcript NM_004629.2 (MANE Select); coding-DNA position 706, G replaced by A.
Protein change: p.Ala236Thr; replaces alanine 236 with threonine.
Molecular consequence: missense variant.
Genome position (GRCh38, 1-based): chr9:35,077,042, C>T on the plus strand (G>A on the coding strand, the complement: FANCG is on the minus strand). VCF-style: chr9-35077042-C-T. GRCh37 (hg19) VCF-style: chr9-35077039-C-T.
Other names: short protein forms A236T.
Identifiers: ClinVar variation 1692841 (VCV001692841.1), dbSNP rs2131056564, ClinGen allele CA373313614.
Genomic context (GRCh38, chr9:35,077,042, plus strand): 5'-GACAGGACCCCAGTGCTGTGTACACCTGGACCAACACAGGCCGTGGACACAGGCCTGAGG[C>T]CGCTTCATGAAGGCTGCTTAGTGCCTTGTCTGGGTTCCCTGTGATCAGCTCCTGGAGACC-3'
Protein context (NP_004620.1, residues 226-246): DKALSSLHEA[Ala236Thr]SGLCPRPVLV